The following is an entry in ClinVar:

ClinVar aggregate classification (germline): Uncertain significance (1 of 4 stars; one submission).

Conditions:
Fanconi anemia complementation group J. Also called: BRIP1-Related Fanconi Anemia. Identifiers: Orphanet 84, MedGen C1836860, MONDO:0012187, OMIM 609054.
Familial cancer of breast. Also called: hereditary breast carcinoma; BREAST CANCER, FAMILIAL; Hereditary breast cancer. Identifiers: Orphanet 227535, MedGen C0346153, MONDO:0016419, OMIM 114480. Disease mechanism: loss of function.

Allele frequency attached by ClinVar (database versions not stated): gnomAD exomes below 0.00001.
gnomAD v4.1: 1 of 1,613,760 alleles (0.000062%); highest among the groups gnomAD compares: Non-Finnish European, 0.000085%; no homozygotes.

Submission:

Labcorp Genetics (formerly Invitae), Labcorp
Classification: Uncertain significance for Familial cancer of breast; Fanconi anemia complementation group J. Last evaluated: 2018-05-14. Review status: criteria provided, single submitter. Criteria: Invitae Variant Classification Sherloc (09022015). Collection method: clinical testing. Allele origin: germline.
Comment: This variant has not been reported in the literature in individuals with BRIP1-related disease. In summary, the available evidence is currently insufficient to determine the role of this variant in disease. Therefore, it has been classified as a Variant of Uncertain Significance. Algorithms developed to predict the effect of missense changes on protein structure and function do not agree on the potential impact of this missense change (SIFT: "Tolerated"; PolyPhen-2: "Possibly Damaging"; Align-GVGD: "Class C0"). This variant is not present in population databases (ExAC no frequency). This sequence change replaces methionine with valine at codon 425 of the BRIP1 protein (p.Met425Val). The methionine residue is moderately conserved and there is a small physicochemical difference between methionine and valine.

NM_032043.3(BRIP1):c.1273A>G (p.Met425Val)

Gene: BRIP1 (BRCA1 interacting DNA helicase 1; minus strand). Cytogenetic location: 17q23.2.
Variant type: single nucleotide variant.
Coding change: c.1273A>G on transcript NM_032043.3 (MANE Select); coding-DNA position 1273, A replaced by G.
Protein change: p.Met425Val; replaces methionine 425 with valine.
Molecular consequence: missense variant.
Genome position (GRCh38, 1-based): chr17:61,799,167, T>C on the plus strand (A>G on the coding strand, the complement: BRIP1 is on the minus strand). VCF-style: chr17-61799167-T-C. GRCh37 (hg19) VCF-style: chr17-59876528-T-C.
Other names: short protein forms M425V.
Identifiers: ClinVar variation 576163 (VCV000576163.9), dbSNP rs1567829230, ClinGen allele CA400483556.